The following is an entry in ClinVar:

ClinVar aggregate classification (germline): Benign. Review status: criteria provided, multiple submitters, no conflicts (2 of 4 stars). 5 submissions from 5 submitters: Benign (5). Last evaluated 2026-02-04.

Conditions:
Vitamin K-dependent clotting factors, combined deficiency of, type 1. Also called: FACTORS II, VII, IX, AND X, COMBINED DEFICIENCY OF; FAMILIAL MULTIPLE COAGULATION FACTOR DEFICIENCY III; FMFD III; GLUTAMIC ACID, DEFICIENT GAMMA-CARBOXYLATION OF; MULTIPLE COAGULATION FACTOR DEFICIENCY III; VITAMIN K-DEPENDENT COAGULATION DEFECT. Identifiers: Orphanet 98434, MedGen C1848534, MONDO:0010187, OMIM 277450.

Allele frequency attached by ClinVar (database versions not stated): gnomAD 0.11053 and 0.11246; TOPMed 0.11277; gnomAD exomes 0.11424; ESP Exome Variant Server 0.11664; ExAC 0.11765; 1000 Genomes Project 30x 0.11883; 1000 Genomes Project 0.11901.
gnomAD v4.1: 196,817 of 1,613,666 alleles (12%); highest among the groups gnomAD compares: South Asian, 19%; 12,554 homozygotes.

Submissions (5):

Labcorp Genetics (formerly Invitae), Labcorp
Classification: Benign. Last evaluated: 2026-02-04. Review status: criteria provided, single submitter. Criteria: Invitae Variant Classification Sherloc (09022015). Collection method: clinical testing. Allele origin: germline.

Mayo Clinic Laboratories, Mayo Clinic
Classification: Benign. Last evaluated: 2022-09-29. Review status: criteria provided, single submitter. Criteria: ACMG Guidelines, 2015. Collection method: clinical testing. Allele origin: germline. Observed: 34 variant alleles.

GeneDx
Classification: Benign. Last evaluated: 2018-07-05. Review status: criteria provided, single submitter. Criteria: GeneDx Variant Classification Process June 2021. Collection method: clinical testing. Allele origin: germline. Affected: yes.

Illumina Laboratory Services, Illumina
Classification: Benign for Vitamin K-dependent clotting factors, combined deficiency of, type 1. Last evaluated: 2018-01-13. Review status: criteria provided, single submitter. Criteria: ICSL Variant Classification Criteria 13 December 2019. Collection method: clinical testing. Allele origin: germline.
Comment: This variant was observed in the ICSL laboratory as part of a predisposition screen in an ostensibly healthy population. It had not been previously curated by ICSL or reported in the Human Gene Mutation Database (HGMD: prior to June 1st, 2018), and was therefore a candidate for classification through an automated scoring system. Utilizing variant allele frequency, disease prevalence and penetrance estimates, and inheritance mode, an automated score was calculated to assess if this variant is too frequent to cause the disease. Based on the score and internal cut-off values, a variant classified as benign is not then subjected to further curation. The score for this variant resulted in a classification of benign for this disease.

Breakthrough Genomics
Classification: Benign. Review status: criteria provided, single submitter. Criteria: ACMG Guidelines, 2015. Collection method: not provided. Allele origin: germline. Inheritance: Autosomal recessive inheritance. Affected: yes.

NM_000821.7(GGCX):c.1242C>T (p.Thr414=)

Gene: GGCX (gamma-glutamyl carboxylase; minus strand). Cytogenetic location: 2p11.2.
Variant type: single nucleotide variant.
Coding change: c.1242C>T on transcript NM_000821.7 (MANE Select); coding-DNA position 1242, C replaced by T.
Protein change: p.Thr414=; no amino-acid change (threonine 414 retained).
Molecular consequence: synonymous variant.
Genome position (GRCh38, 1-based): chr2:85,552,984, G>A on the plus strand (C>T on the coding strand, the complement: GGCX is on the minus strand). VCF-style: chr2-85552984-G-A. GRCh37 (hg19) VCF-style: chr2-85780107-G-A.
Other names: p.Thr414=; c.1071C>T, p.Thr357= (NM_001142269.4).
Identifiers: ClinVar variation 337265 (VCV000337265.16), dbSNP rs10179904, ClinGen allele CA1741879.